The following is an entry in ClinVar:

ClinVar aggregate classification (germline): Likely benign. Review status: criteria provided, multiple submitters, no conflicts (2 of 4 stars). 2 submissions from 2 submitters: Likely benign (2). Last evaluated 2025-08-07.

Allele frequency attached by ClinVar (database versions not stated): ESP Exome Variant Server 0.00115; gnomAD 0.00141; 1000 Genomes Project 0.00180; 1000 Genomes Project 30x 0.00203.
gnomAD v4.1: 2,157 of 1,613,558 alleles (0.13%); highest among the groups gnomAD compares: Middle Eastern, 2.4%; 14 homozygotes.

Submissions (2):

Ambry Genetics
Classification: Likely benign. Last evaluated: 2025-08-07. Review status: criteria provided, single submitter. Criteria: Ambry Variant Classification Scheme 2023. Collection method: clinical testing. Allele origin: germline.

CeGaT Center for Human Genetics Tuebingen
Classification: Likely benign. Last evaluated: 2024-09-01. Review status: criteria provided, single submitter. Criteria: CeGaT Center For Human Genetics Tuebingen Variant Classification Criteria Version 2. Collection method: clinical testing. Allele origin: germline. Affected: yes. Observed: 2 variant alleles.
Comment: DIDO1: BP4

NM_001193369.2(DIDO1):c.1847C>T (p.Pro616Leu)

Gene: DIDO1 (death inducer-obliterator 1; minus strand). Cytogenetic location: 20q13.33.
Variant type: single nucleotide variant.
Coding change: c.1847C>T on transcript NM_001193369.2 (MANE Select); coding-DNA position 1847, C replaced by T.
Protein change: p.Pro616Leu; replaces proline 616 with leucine.
Molecular consequence: missense variant.
Genome position (GRCh38, 1-based): chr20:62,896,738, G>A on the plus strand (C>T on the coding strand, the complement: DIDO1 is on the minus strand). VCF-style: chr20-62896738-G-A. GRCh37 (hg19) VCF-style: chr20-61528090-G-A.
Other names: c.1847C>T, p.Pro616Leu (NM_033081.3, NM_080797.4, NM_001193370.2); c.1847C>T (NM_033081.2); short protein forms P616L.
Identifiers: ClinVar variation 2652515 (VCV002652515.25), dbSNP rs141286941, ClinGen allele CA9951986.
Genomic context (GRCh38, chr20:62,896,738, plus strand): 5'-CCCACCAAAGCAGCGGAGCCAGGGAACTTCTTGGAGGCAGCCGTTGCCGCTGCAGGTGCC[G>A]GTCCGGCCTGCCTGGCAGCTGAAGCACCACTCGATGGGGTAGCGGAGAGCCATGGCCTCT-3'
Protein context (NP_001180298.1, residues 606-626): SGASAARQAG[Pro616Leu]APAAATAASK